The following is an entry in ClinVar:

NM_006206.6(PDGFRA):c.1126C>G (p.Arg376Gly)

Gene: PDGFRA (platelet derived growth factor receptor alpha; plus strand). Cytogenetic location: 4q12.
Variant type: single nucleotide variant.
Coding change: c.1126C>G on transcript NM_006206.6 (MANE Select); coding-DNA position 1126, C replaced by G.
Protein change: p.Arg376Gly; replaces arginine 376 with glycine.
Molecular consequence: missense variant.
Genome position (GRCh38, 1-based): chr4:54,270,637, C>G. VCF-style: chr4-54270637-C-G. GRCh37 (hg19) VCF-style: chr4-55136804-C-G.
Other names: c.1126C>G, p.Arg376Gly (NM_001347827.2, NM_001347829.2); c.1201C>G, p.Arg401Gly (NM_001347828.2); c.1165C>G, p.Arg389Gly (NM_001347830.2); short protein forms R376G, R401G, R389G.
Identifiers: ClinVar variation 649405 (VCV000649405.6), dbSNP rs1577719401, ClinGen allele CA356891871.

ClinVar aggregate classification (germline): Uncertain significance. Review status: criteria provided, multiple submitters, no conflicts (2 of 4 stars). 2 submissions from 2 submitters: Uncertain significance (2). Last evaluated 2026-06-05.

Conditions:
Hereditary cancer-predisposing syndrome. Also called: Neoplastic Syndromes, Hereditary; Tumor predisposition; Hereditary Cancer Syndrome; Hereditary neoplastic syndrome. Identifiers: Orphanet 140162, MedGen C0027672, MeSH D009386, MONDO:0015356.
Gastrointestinal stromal tumor. Also called: Gastrointestinal stromal tumor, somatic; Gastrointestinal stroma tumor. Identifiers: Orphanet 44890, MedGen C0238198, MeSH D046152, MONDO:0011719, OMIM 606764, HP:0100723.

Allele frequency attached by ClinVar (database versions not stated): gnomAD exomes below 0.00001.
gnomAD v4.1: 1 of 1,589,006 alleles (0.000063%); highest among the groups gnomAD compares: Non-Finnish European, 0.000086%; no homozygotes.

Submissions (2):

Ambry Genetics
Classification: Uncertain significance for Hereditary cancer-predisposing syndrome. Last evaluated: 2026-06-05. Review status: criteria provided, single submitter. Criteria: Ambry Variant Classification Scheme 2023. Collection method: clinical testing. Allele origin: germline.
Comment: The p.R376G variant (also known as c.1126C>G), located in coding exon 7 of the PDGFRA gene, results from a C to G substitution at nucleotide position 1126. The arginine at codon 376 is replaced by glycine, an amino acid with dissimilar properties. This amino acid position is not well conserved in available vertebrate species. In addition, this alteration is predicted to be tolerated by in silico analysis. Based on the available evidence, the clinical significance of this variant remains unclear.

Labcorp Genetics (formerly Invitae), Labcorp
Classification: Uncertain significance for Gastrointestinal stromal tumor. Last evaluated: 2021-10-02. Review status: criteria provided, single submitter. Criteria: Invitae Variant Classification Sherloc (09022015). Collection method: clinical testing. Allele origin: germline.
Comment: In summary, the available evidence is currently insufficient to determine the role of this variant in disease. Therefore, it has been classified as a Variant of Uncertain Significance. Algorithms developed to predict the effect of missense changes on protein structure and function (SIFT, PolyPhen-2, Align-GVGD) all suggest that this variant is likely to be tolerated. This variant has not been reported in the literature in individuals affected with PDGFRA-related conditions. This variant is not present in population databases (ExAC no frequency). This sequence change replaces arginine with glycine at codon 376 of the PDGFRA protein (p.Arg376Gly). The arginine residue is weakly conserved and there is a moderate physicochemical difference between arginine and glycine.